The following is an entry in ClinVar:

ClinVar aggregate classification (germline): Uncertain significance. Review status: criteria provided, multiple submitters, no conflicts (2 of 4 stars). 4 submissions from 4 submitters: Uncertain significance (3). 1 of the submissions does not count toward it. Last evaluated 2024-08-09.

Conditions:
CHEK2-related disorder.
Familial cancer of breast. Also called: Hereditary breast cancer; BREAST CANCER, FAMILIAL; hereditary breast carcinoma. Identifiers: Orphanet 227535, MedGen C0346153, MONDO:0016419, OMIM 114480. Disease mechanism: loss of function.
Hereditary cancer-predisposing syndrome. Also called: Hereditary neoplastic syndrome; Tumor predisposition; Neoplastic Syndromes, Hereditary; Hereditary Cancer Syndrome. Identifiers: Orphanet 140162, MedGen C0027672, MeSH D009386, MONDO:0015356.

Submissions (4):

Labcorp Genetics (formerly Invitae), Labcorp
Classification: Uncertain significance for Familial cancer of breast. Last evaluated: 2024-08-09. Review status: criteria provided, single submitter. Criteria: Invitae Variant Classification Sherloc (09022015). Collection method: clinical testing. Allele origin: germline.
Comment: This sequence change replaces glycine, which is neutral and non-polar, with serine, which is neutral and polar, at codon 229 of the CHEK2 protein (p.Gly229Ser). This variant is not present in population databases (gnomAD no frequency). This variant has not been reported in the literature in individuals affected with CHEK2-related conditions. ClinVar contains an entry for this variant (Variation ID: 421158). An algorithm developed to predict the effect of missense changes on protein structure and function (PolyPhen-2) suggests that this variant is likely to be disruptive. Experimental studies have shown that this missense change affects CHEK2 function (PMID: 34903604). Algorithms developed to predict the effect of sequence changes on RNA splicing suggest that this variant may create or strengthen a splice site. In summary, the available evidence is currently insufficient to determine the role of this variant in disease. Therefore, it has been classified as a Variant of Uncertain Significance.

GeneDx
Classification: Uncertain significance. Last evaluated: 2024-03-07. Review status: criteria provided, single submitter. Criteria: GeneDx Variant Classification Process June 2021. Collection method: clinical testing. Allele origin: germline. Affected: yes.
Comment: In silico analysis supports that this missense variant has a deleterious effect on protein structure/function; Not observed at significant frequency in large population cohorts (gnomAD); In silico analysis supports a deleterious effect on splicing; This variant is associated with the following publications: (PMID: 37449874, 22419737, 19782031, 34903604, 35585550)

Ambry Genetics
Classification: Uncertain significance for Hereditary cancer-predisposing syndrome. Last evaluated: 2023-11-14. Review status: criteria provided, single submitter. Criteria: Ambry Variant Classification Scheme 2023. Collection method: clinical testing. Allele origin: germline.
Comment: The p.G229S variant (also known as c.685G>A), located in coding exon 5 of the CHEK2 gene, results from a G to A substitution at nucleotide position 685. The glycine at codon 229 is replaced by serine, an amino acid with similar properties. This alteration was reported as damaging in an mES cell-based assay of CHEK2 activity (Boonen RACM et al. Cancer Res, 2022 Feb;82:615-631). This amino acid position is highly conserved in available vertebrate species. In addition, this alteration is predicted to be deleterious by in silico analysis. Since supporting evidence is limited at this time, the clinical significance of this alteration remains unclear.

PreventionGenetics, part of Exact Sciences
Classification: Uncertain significance for CHEK2-related condition. Last evaluated: 2024-07-09. Review status: no assertion criteria provided. Collection method: clinical testing. Allele origin: germline. Not counted in ClinVar's aggregate classification.
Comment: The CHEK2 c.685G>A variant is predicted to result in the amino acid substitution p.Gly229Ser. This variant has not been reported in the literature in individuals with CHEK2 related disease. An mES cell-based assay of CHEK2 activity suggested that this variant is damaging (Boonen et al 2022. PubMed ID: 34903604). To our knowledge, this variant has not been reported in a large population database, indicating this variant is rare. In ClinVar, this variant is interpreted as uncertain by multiple laboratories. At this time, the clinical significance of this variant is uncertain due to the absence of conclusive functional and genetic evidence.

Literature cited by the submitters: PubMed 34903604 (cited by Labcorp Genetics (formerly Invitae), Labcorp and Ambry Genetics).

NM_007194.4(CHEK2):c.685G>A (p.Gly229Ser)

Gene: CHEK2 (checkpoint kinase 2; minus strand). Cytogenetic location: 22q12.1.
Variant type: single nucleotide variant.
Coding change: c.685G>A on transcript NM_007194.4 (MANE Select); coding-DNA position 685, G replaced by A.
Protein change: p.Gly229Ser; replaces glycine 229 with serine.
Molecular consequence: missense variant.
Genome position (GRCh38, 1-based): chr22:28,712,016, C>T on the plus strand (G>A on the coding strand, the complement: CHEK2 is on the minus strand). VCF-style: chr22-28712016-C-T. GRCh37 (hg19) VCF-style: chr22-29108004-C-T.
Other names: c.814G>A, p.Gly272Ser (NM_001005735.3); c.22G>A, p.Gly8Ser (NM_001257387.3); c.484G>A, p.Gly162Ser (NM_001349956.3); c.685G>A, p.Gly229Ser (NM_145862.3); short protein forms G229S, G162S, G272S, G8S.
Identifiers: ClinVar variation 421158 (VCV000421158.19), dbSNP rs1064794948, ClinGen allele CA16621072.